The following is an entry in ClinVar:

NM_004820.5(CYP7B1):c.1354C>T (p.Arg452Ter)

Gene: CYP7B1 (cytochrome P450 family 7 subfamily B member 1; minus strand). Cytogenetic location: 8q12.3.
Variant type: single nucleotide variant.
Coding change: c.1354C>T on transcript NM_004820.5 (MANE Select); coding-DNA position 1354, C replaced by T.
Protein change: p.Arg452Ter; replaces arginine 452 with a stop codon.
Molecular consequence: nonsense. On other transcripts: intron variant (1).
Genome position (GRCh38, 1-based): chr8:64,596,809, G>A on the plus strand (C>T on the coding strand, the complement: CYP7B1 is on the minus strand). VCF-style: chr8-64596809-G-A. GRCh37 (hg19) VCF-style: chr8-65509366-G-A.
Other names: c.1234-6965C>T (NM_001324112.2); short protein forms R452*.
Identifiers: ClinVar variation 489179 (VCV000489179.8), dbSNP rs769676029, ClinGen allele CA178383085.

ClinVar aggregate classification (germline): Pathogenic/Likely pathogenic. Review status: criteria provided, multiple submitters, no conflicts (2 of 4 stars). 4 submissions from 4 submitters: Pathogenic (2); Likely pathogenic (2). Last evaluated 2024-12-18.

Conditions:
Spastic paraplegia. Identifiers: MedGen C0037772, HP:0001258.
Hereditary spastic paraplegia 5A (SPG5A). Also called: SPASTIC PARAPLEGIA 5A, AUTOSOMAL RECESSIVE. Identifiers: Orphanet 100986, MedGen C1849115, MONDO:0010047, OMIM 270800.

Allele frequency attached by ClinVar (database versions not stated): gnomAD exomes below 0.00001 and 0.00005; TOPMed 0.00002.
gnomAD v4.1: 72 of 1,613,926 alleles (0.0045%); highest among the groups gnomAD compares: Middle Eastern, 0.017%; no homozygotes.

Submissions (4):

Revvity Omics, Revvity
Classification: Likely pathogenic. Last evaluated: 2024-12-18. Review status: criteria provided, single submitter. Criteria: ACMG Guidelines, 2015. Collection method: clinical testing. Allele origin: germline.

Labcorp Genetics (formerly Invitae), Labcorp
Classification: Pathogenic for Spastic paraplegia. Last evaluated: 2023-11-10. Review status: criteria provided, single submitter. Criteria: Invitae Variant Classification Sherloc (09022015). Collection method: clinical testing. Allele origin: germline.
Comment: This sequence change creates a premature translational stop signal (p.Arg452*) in the CYP7B1 gene. While this is not anticipated to result in nonsense mediated decay, it is expected to disrupt the last 55 amino acid(s) of the CYP7B1 protein. This variant is present in population databases (rs769676029, gnomAD 0.0009%). This variant has not been reported in the literature in individuals affected with CYP7B1-related conditions. ClinVar contains an entry for this variant (Variation ID: 489179). This variant disrupts a region of the CYP7B1 protein in which other variant(s) (p.Arg486Cys) have been determined to be pathogenic (PMID: 19439420, 21623769, 23812641, 24117163). This suggests that this is a clinically significant region of the protein, and that variants that disrupt it are likely to be disease-causing. For these reasons, this variant has been classified as Pathogenic.

GeneDx
Classification: Likely pathogenic. Last evaluated: 2017-12-04. Review status: criteria provided, single submitter. Criteria: GeneDx Variant Classification (06012015). Collection method: clinical testing. Allele origin: germline. Affected: yes.
Comment: The R452X variant has not been published as a pathogenic variant, nor has it been reported as a benign variant to our knowledge. The R452X variant is a nonsense variant in the C-terminus predicted to result in protein truncation, as the last 55 amino acids are lost, and other loss-of-function variants have been reported downstream in the Human Gene Mutation Database (Stenson et al., 2014). The R452X variant is not observed at a significant frequency in large population cohorts (Lek et al., 2016). Therefore, this variant is likely pathogenic; however, the possibility that it is benign cannot be excluded.

Paris Brain Institute, Inserm - ICM
Classification: Pathogenic for Hereditary spastic paraplegia 5A. Review status: criteria provided, single submitter. Criteria: ACMG Guidelines, 2015. Collection method: clinical testing. Allele origin: unknown. Affected: yes. Observed: 2 variant alleles.

Literature cited by the submitters: PubMed 19439420 (cited by Labcorp Genetics (formerly Invitae), Labcorp); PubMed 21623769 (cited by Labcorp Genetics (formerly Invitae), Labcorp); PubMed 23812641 (cited by Labcorp Genetics (formerly Invitae), Labcorp); PubMed 24117163 (cited by Labcorp Genetics (formerly Invitae), Labcorp).